The following is an entry in ClinVar:

ClinVar aggregate classification (germline): Uncertain significance (1 of 4 stars; one submission).

Conditions:
Hereditary cancer-predisposing syndrome. Also called: Hereditary neoplastic syndrome; Hereditary Cancer Syndrome; Neoplastic Syndromes, Hereditary; Tumor predisposition. Identifiers: Orphanet 140162, MedGen C0027672, MeSH D009386, MONDO:0015356.

gnomAD v4.1: 1 of 1,588,512 alleles (0.000063%); highest among the groups gnomAD compares: Non-Finnish European, 0.000085%; no homozygotes.

Submission:

Ambry Genetics
Classification: Uncertain significance for Hereditary cancer-predisposing syndrome. Last evaluated: 2023-04-07. Review status: criteria provided, single submitter. Criteria: Ambry Variant Classification Scheme 2023. Collection method: clinical testing. Allele origin: germline.
Comment: The p.T17R variant (also known as c.50C>G), located in coding exon 1 of the EPCAM gene, results from a C to G substitution at nucleotide position 50. The threonine at codon 17 is replaced by arginine, an amino acid with similar properties. This amino acid position is conserved. In addition, the in silico prediction for this alteration is inconclusive. Since supporting evidence is limited at this time, the clinical significance of this alteration remains unclear.

NM_002354.3(EPCAM):c.50C>G (p.Thr17Arg)

Gene: EPCAM (epithelial cell adhesion molecule; plus strand). Cytogenetic location: 2p21.
Variant type: single nucleotide variant.
Coding change: c.50C>G on transcript NM_002354.3 (MANE Select); coding-DNA position 50, C replaced by G.
Protein change: p.Thr17Arg; replaces threonine 17 with arginine.
Molecular consequence: missense variant.
Genome position (GRCh38, 1-based): chr2:47,369,555, C>G. VCF-style: chr2-47369555-C-G. GRCh37 (hg19) VCF-style: chr2-47596694-C-G.
Other names: short protein forms T17R.
Identifiers: ClinVar variation 2566627 (VCV002566627.2), dbSNP rs116429842, ClinGen allele CA346721411.